The following is an entry in ClinVar:

NM_017671.5(FERMT1):c.1014C>T (p.Ser338=)

Gene: FERMT1 (FERM domain containing kindlin 1; minus strand). Cytogenetic location: 20p12.3.
Variant type: single nucleotide variant.
Coding change: c.1014C>T on transcript NM_017671.5 (MANE Select); coding-DNA position 1014, C replaced by T.
Protein change: p.Ser338=; no amino-acid change (serine 338 retained).
Molecular consequence: synonymous variant.
Genome position (GRCh38, 1-based): chr20:6,096,977, G>A on the plus strand (C>T on the coding strand, the complement: FERMT1 is on the minus strand). VCF-style: chr20-6096977-G-A. GRCh37 (hg19) VCF-style: chr20-6077624-G-A.
Identifiers: ClinVar variation 339221 (VCV000339221.38), dbSNP rs138986656, ClinGen allele CA9758277.

ClinVar aggregate classification (germline): Conflicting classifications of pathogenicity. Review status: criteria provided, conflicting classifications (1 of 4 stars). 4 submissions from 4 submitters: Uncertain significance (1); Benign (1); Likely benign (2). Last evaluated 2026-01-15.

Conditions:
Kindler syndrome (KNDLRS). Also called: BULLOUS ACROKERATOTIC POIKILODERMA OF KINDLER AND WEARY; POIKILODERMA, CONGENITAL, WITH BULLAE, WEARY TYPE; POIKILODERMA, HEREDITARY ACROKERATOTIC; Poikiloderma of Kindler; Congenital bullous poikiloderma; Kindler's syndrome. Identifiers: Orphanet 2908, Orphanet 306539, MedGen C0406557, MONDO:0008260, OMIM 173650.

Allele frequency attached by ClinVar (database versions not stated): 1000 Genomes Project 30x 0.00125; 1000 Genomes Project 0.00140; gnomAD 0.00150 and 0.00159; TOPMed 0.00157; ExAC 0.00163; ESP Exome Variant Server 0.00169; gnomAD exomes 0.00170 and 0.00279.
gnomAD v4.1: 4,305 of 1,613,772 alleles (0.27%); highest among the groups gnomAD compares: Non-Finnish European, 0.31%; 14 homozygotes.

Submissions (4):

Labcorp Genetics (formerly Invitae), Labcorp
Classification: Benign. Last evaluated: 2026-01-15. Review status: criteria provided, single submitter. Criteria: Invitae Variant Classification Sherloc (09022015). Collection method: clinical testing. Allele origin: germline.

Blueprint Genetics
Classification: Likely benign. Last evaluated: 2024-11-28. Review status: criteria provided, single submitter. Criteria: ACMG Guidelines, 2015. Collection method: clinical testing. Allele origin: germline.

CeGaT Center for Human Genetics Tuebingen
Classification: Likely benign. Last evaluated: 2024-01-01. Review status: criteria provided, single submitter. Criteria: CeGaT Center For Human Genetics Tuebingen Variant Classification Criteria Version 2. Collection method: clinical testing. Allele origin: germline. Affected: yes. Observed: 1 variant allele.
Comment: FERMT1: BP4, BP7

Illumina Laboratory Services, Illumina
Classification: Uncertain significance for Kindler syndrome. Last evaluated: 2018-01-13. Review status: criteria provided, single submitter. Criteria: ICSL Variant Classification Criteria 13 December 2019. Collection method: clinical testing. Allele origin: germline.